The following is an entry in ClinVar:

NM_025081.3(NYNRIN):c.1790C>G (p.Ala597Gly)

Gene: NYNRIN (NYN domain and retroviral integrase containing; plus strand). Cytogenetic location: 14q12.
Variant type: single nucleotide variant.
Coding change: c.1790C>G on transcript NM_025081.3 (MANE Select); coding-DNA position 1790, C replaced by G.
Protein change: p.Ala597Gly; replaces alanine 597 with glycine.
Molecular consequence: missense variant.
Genome position (GRCh38, 1-based): chr14:24,409,584, C>G. VCF-style: chr14-24409584-C-G. GRCh37 (hg19) VCF-style: chr14-24878790-C-G.
Other names: short protein forms A597G.
Identifiers: ClinVar variation 3301770 (VCV003301770.3).
Genomic context (GRCh38, chr14:24,409,584, plus strand): 5'-TGGCAGTGCACACAGAGCCTGCAGCTCCCGAAGTGCCTTTGGCTCCAACAAAGCCAACAG[C>G]TCAACTGATGGCCACAGCTCAAAAAACAGTTGTGAATCAACCAGTGTTGGTAGCTCAAGT-3'
Protein context (NP_079357.2, residues 587-607): EVPLAPTKPT[Ala597Gly]QLMATAQKTV

ClinVar aggregate classification (germline): Uncertain significance. Review status: criteria provided, multiple submitters, no conflicts (2 of 4 stars). 2 submissions from 2 submitters: Uncertain significance (2). Last evaluated 2025-04-18.

gnomAD v4.1: 72 of 1,610,410 alleles (0.0045%); highest among the groups gnomAD compares: African/African-American, 0.081%; no homozygotes.

Submissions (2):

Labcorp Genetics (formerly Invitae), Labcorp
Classification: Uncertain significance. Last evaluated: 2025-04-18. Review status: criteria provided, single submitter. Criteria: Invitae Variant Classification Sherloc (09022015). Collection method: clinical testing. Allele origin: germline.
Comment: This sequence change replaces alanine, which is neutral and non-polar, with glycine, which is neutral and non-polar, at codon 597 of the NYNRIN protein (p.Ala597Gly). This variant is present in population databases (rs201954983, gnomAD 0.1%), and has an allele count higher than expected for a pathogenic variant. This variant has not been reported in the literature in individuals affected with NYNRIN-related conditions. ClinVar contains an entry for this variant (Variation ID: 3301770). Experimental studies and prediction algorithms are not available or were not evaluated, and the functional significance of this variant is currently unknown. In summary, the available evidence is currently insufficient to determine the role of this variant in disease. Therefore, it has been classified as a Variant of Uncertain Significance.

Ambry Genetics
Classification: Uncertain significance. Last evaluated: 2024-04-01. Review status: criteria provided, single submitter. Criteria: Ambry Variant Classification Scheme 2023. Collection method: clinical testing. Allele origin: germline.